The following is an entry in ClinVar:

ClinVar aggregate classification (germline): Uncertain significance (1 of 4 stars; one submission).

Conditions:
Kleefstra syndrome 1 (KLEFS1). Identifiers: Orphanet 261494, MedGen C0795833, MONDO:0027407, OMIM 610253.

Allele frequency attached by ClinVar (database versions not stated): TOPMed 0.00001; gnomAD 0.00001.
gnomAD v4.1: 2 of 1,609,482 alleles (0.00012%); highest among the groups gnomAD compares: African/African-American, 0.0027%; no homozygotes.

Submission:

Labcorp Genetics (formerly Invitae), Labcorp
Classification: Uncertain significance for Kleefstra syndrome 1. Last evaluated: 2023-07-07. Review status: criteria provided, single submitter. Criteria: Invitae Variant Classification Sherloc (09022015). Collection method: clinical testing. Allele origin: germline.
Comment: In summary, the available evidence is currently insufficient to determine the role of this variant in disease. Therefore, it has been classified as a Variant of Uncertain Significance. Variants that disrupt the consensus splice site are a relatively common cause of aberrant splicing (PMID: 17576681, 9536098). Algorithms developed to predict the effect of sequence changes on RNA splicing suggest that this variant is not likely to affect RNA splicing. This variant has not been reported in the literature in individuals affected with EHMT1-related conditions. This variant is present in population databases (no rsID available, gnomAD 0.01%). This sequence change falls in intron 17 of the EHMT1 gene. It does not directly change the encoded amino acid sequence of the EHMT1 protein. It affects a nucleotide within the consensus splice site.

Literature cited by the submitters: PubMed 17576681; PubMed 9536098.

NM_024757.5(EHMT1):c.2607+3A>G

Gene: EHMT1 (euchromatic histone lysine methyltransferase 1; plus strand). Cytogenetic location: 9q34.3.
Variant type: single nucleotide variant.
Coding change: c.2607+3A>G on transcript NM_024757.5 (MANE Select); 3 bases into the intron after coding-DNA position 2607, A replaced by G.
Molecular consequence: intron variant.
Genome position (GRCh38, 1-based): chr9:137,798,917, A>G. VCF-style: chr9-137798917-A-G. GRCh37 (hg19) VCF-style: chr9-140693369-A-G.
Other names: c.2586+3A>G (NM_001354263.2).
Identifiers: ClinVar variation 2786482 (VCV002786482.3), dbSNP rs1166879257, ClinGen allele CA591248626.